The following is an entry in ClinVar:

NM_002454.3(MTRR):c.1652dup (p.Phe552fs)

Gene: MTRR (5-methyltetrahydrofolate-homocysteine methyltransferase reductase; plus strand). Cytogenetic location: 5p15.31.
Variant type: Duplication.
Coding change: c.1652dup on transcript NM_002454.3 (MANE Select); coding-DNA position 1652, one base duplicated (C; older notation c.1652dupC).
Protein change: p.Phe552fs; shifts the reading frame from phenylalanine 552.
Molecular consequence: frameshift variant. On other transcripts: non-coding transcript variant (14).
Genome position (GRCh38, 1-based): chr5:7,895,828, C duplicated; the last of 4 consecutive C bases (chr5:7,895,825-7,895,828); duplicating any one gives the same sequence. VCF-style (leftmost placement, unchanged base first): chr5-7895824-G-GC. GRCh37 (hg19) VCF-style: chr5-7895937-G-GC.
Other names: c.1652dup, p.Phe552fs (NM_001364440.2, NM_001364441.2, NM_001364442.2 and 1 more transcripts); short protein forms F552fs.
Identifiers: ClinVar variation 1070124 (VCV001070124.7), dbSNP rs2126808162, ClinGen allele CA2499217918.

ClinVar aggregate classification (germline): Pathogenic (1 of 4 stars; one submission).

Conditions:
Methylcobalamin deficiency type cblE (HMAE). Also called: HOMOCYSTINURIA-MEGALOBLASTIC ANEMIA, cblE TYPE; VITAMIN B12-RESPONSIVE HOMOCYSTINURIA, cblE TYPE; HOMOCYSTINURIA-MEGALOBLASTIC ANEMIA, cblE COMPLEMENTATION TYPE. Identifiers: Orphanet 2169, Orphanet 622, MedGen C1856057, MONDO:0009354, OMIM 236270.

Submission:

Labcorp Genetics (formerly Invitae), Labcorp
Classification: Pathogenic for Methylcobalamin deficiency type cblE. Last evaluated: 2020-09-23. Review status: criteria provided, single submitter. Criteria: Invitae Variant Classification Sherloc (09022015). Collection method: clinical testing. Allele origin: germline.
Comment: For these reasons, this variant has been classified as Pathogenic. Loss-of-function variants in MTRR are known to be pathogenic (PMID: 15714522). This variant has not been reported in the literature in individuals with MTRR-related conditions. This variant is not present in population databases (ExAC no frequency). This sequence change creates a premature translational stop signal (p.Phe552Valfs*8) in the MTRR gene. It is expected to result in an absent or disrupted protein product.

Literature cited by the submitters: PubMed 15714522.